The following is an entry in ClinVar:

NM_001458.5(FLNC):c.5216C>T (p.Pro1739Leu)

Gene: FLNC (filamin C; plus strand). Cytogenetic location: 7q32.1.
Variant type: single nucleotide variant.
Coding change: c.5216C>T on transcript NM_001458.5 (MANE Select); coding-DNA position 5216, C replaced by T.
Protein change: p.Pro1739Leu; replaces proline 1739 with leucine.
Molecular consequence: missense variant. On other transcripts: intron variant (1).
Genome position (GRCh38, 1-based): chr7:128,849,992, C>T. VCF-style: chr7-128849992-C-T. GRCh37 (hg19) VCF-style: chr7-128490046-C-T.
Other names: p.Pro1739Leu; c.5200-392C>T (NM_001127487.2); short protein forms P1739L.
Identifiers: ClinVar variation 472094 (VCV000472094.20), dbSNP rs745650222, ClinGen allele CA4475609.
Genomic context (GRCh38, chr7:128,849,992, plus strand): 5'-TGTGAGGCTGCCACACCCTGTGCCCCCGTGCCTTGCCTCCCCAGGCGTGTGACCCCCTGC[C>T]GCACGAGGAGGAGCCCTCTGAAGTGCCACAGCTGCGCCAGCCCTACGCTCCTCCCCGGCC-3'
Protein context (NP_001449.3, residues 1729-1749): PFHVLACDPL[Pro1739Leu]HEEEPSEVPQ

ClinVar aggregate classification (germline): Conflicting classifications of pathogenicity. Review status: criteria provided, conflicting classifications (1 of 4 stars). 8 submissions from 8 submitters: Uncertain significance (6); Likely benign (2). Last evaluated 2026-01-14.

Conditions:
Myofibrillar myopathy 5. Also called: Filaminopathy (type); FILAMINOPATHY, AUTOSOMAL DOMINANT. Identifiers: Orphanet 171445, MedGen C1836050, MONDO:0012289, OMIM 609524.
Hypertrophic cardiomyopathy 26. Also called: Cardiomyopathy, familial hypertrophic, 26. Identifiers: MedGen C4310749, MONDO:0014883, OMIM 617047, Orphanet 75249.
Distal myopathy with posterior leg and anterior hand involvement. Also called: WILLIAMS DISTAL MYOPATHY. Identifiers: Orphanet 63273, MedGen C3279722, MONDO:0013550, OMIM 614065.
Cardiovascular phenotype. Identifiers: MedGen CN230736.

Allele frequency attached by ClinVar (database versions not stated): ExAC 0.00007; gnomAD 0.00009 and 0.00008; TOPMed 0.00009.
gnomAD v4.1: 175 of 1,586,772 alleles (0.011%); highest among the groups gnomAD compares: Non-Finnish European, 0.013%; no homozygotes.

Submissions (8):

Labcorp Genetics (formerly Invitae), Labcorp
Classification: Likely benign for Distal myopathy with posterior leg and anterior hand involvement; Myofibrillar myopathy 5; Hypertrophic cardiomyopathy 26. Last evaluated: 2026-01-14. Review status: criteria provided, single submitter. Criteria: Invitae Variant Classification Sherloc (09022015). Collection method: clinical testing. Allele origin: germline.

Dasa
Classification: Likely benign. Last evaluated: 2025-06-21. Review status: criteria provided, single submitter. Criteria: DASA Assertion Criteria. Collection method: clinical testing. Allele origin: germline.
Comment: NM_001458.5(FLNC):c.5216C>T (p.Pro1739Leu) is a missense variant that results in the substitution of proline with leucine. Population frequency is inconsistent with a disease-causing role for this variant. Computational prediction algorithms are consistent with a benign effect. Therefore, based on the currently available evidence, this variant is classified as likely benign.

Mayo Clinic Laboratories, Mayo Clinic
Classification: Uncertain significance. Last evaluated: 2025-02-06. Review status: criteria provided, single submitter. Criteria: ACMG Guidelines, 2015. Collection method: clinical testing. Allele origin: germline. Observed: 2 variant alleles.
Comment: BP4

Ambry Genetics
Classification: Uncertain significance for Cardiovascular phenotype. Last evaluated: 2023-08-11. Review status: criteria provided, single submitter. Criteria: Ambry Variant Classification Scheme 2023. Collection method: clinical testing. Allele origin: germline.
Comment: The p.P1739L variant (also known as c.5216C>T), located in coding exon 31 of the FLNC gene, results from a C to T substitution at nucleotide position 5216. The proline at codon 1739 is replaced by leucine, an amino acid with similar properties. This amino acid position is well conserved in available vertebrate species. In addition, this alteration is predicted to be tolerated by in silico analysis. Since supporting evidence is limited at this time, the clinical significance of this alteration remains unclear.

Revvity Omics, Revvity
Classification: Uncertain significance. Last evaluated: 2022-12-28. Review status: criteria provided, single submitter. Criteria: ACMG Guidelines, 2015. Collection method: clinical testing. Allele origin: germline.

Fulgent Genetics
Classification: Uncertain significance for Myofibrillar myopathy 5; Distal myopathy with posterior leg and anterior hand involvement; Hypertrophic cardiomyopathy 26. Last evaluated: 2021-08-23. Review status: criteria provided, single submitter. Criteria: ACMG Guidelines, 2015. Collection method: clinical testing. Allele origin: unknown.

GeneDx
Classification: Uncertain significance. Last evaluated: 2019-12-06. Review status: criteria provided, single submitter. Criteria: GeneDx Variant Classification Process June 2021. Collection method: clinical testing. Allele origin: germline. Affected: yes.
Comment: Has not been previously published as pathogenic or benign to our knowledge; Reported in ClinVar as a variant of uncertain significance but additional evidence is not available (ClinVar Variant ID# 472094; Landrum et al., 2016); In silico analysis, which includes protein predictors and evolutionary conservation, supports that this variant does not alter protein structure/function

Center for Genomics, Ann and Robert H. Lurie Children's Hospital of Chicago
Classification: Uncertain significance for Hypertrophic cardiomyopathy 26; Distal myopathy with posterior leg and anterior hand involvement; Myofibrillar myopathy 5. Review status: criteria provided, single submitter. Criteria: ACMG Guidelines, 2015. Collection method: clinical testing. Allele origin: germline.
Comment: FLNC NM_001458.4 exon 31 p.Pro1739Leu (c.5216C<T): This variant has not been reported in the literature but is present in 0.005% (6/109016) of European alleles in the Genome Aggregation Database. This variant is present in ClinVar (Variation ID:472094). Evolutionary conservation and computational predictive tools suggest that this variant may not impact the protein. In summary, data on this variant is insufficient for disease classification. Therefore, the clinical significance of this variant is uncertain.